The following is an entry in ClinVar:

NM_024580.6(EFL1):c.264C>G (p.Ile88Met)

Gene: EFL1 (elongation factor like GTPase 1; minus strand). Cytogenetic location: 15q25.2.
Variant type: single nucleotide variant.
Coding change: c.264C>G on transcript NM_024580.6 (MANE Select); coding-DNA position 264, C replaced by G.
Protein change: p.Ile88Met; replaces isoleucine 88 with methionine.
Molecular consequence: missense variant. On other transcripts: 5 prime UTR variant (1), non-coding transcript variant (1).
Genome position (GRCh38, 1-based): chr15:82,241,384, G>C on the plus strand (C>G on the coding strand, the complement: EFL1 is on the minus strand). VCF-style: chr15-82241384-G-C. GRCh37 (hg19) VCF-style: chr15-82533725-G-C.
Other names: c.111C>G, p.Ile37Met (NM_001040610.3); c.-526C>G (NM_001322844.2); c.264C>G, p.Ile88Met (NM_001322845.2); short protein forms I37M, I88M.
Identifiers: ClinVar variation 2987220 (VCV002987220.3), dbSNP rs754091163, ClinGen allele CA393282679.
Genomic context (GRCh38, chr15:82,241,384, plus strand): 5'-GCGAACAGCGGTTGATACTTCTGAGGAAAAGTCCACGTGTCCTGGAGAGTCTATCAGATT[G>C]ATCAGGTACTCCTCATTACCTAAAATACAATTTGTAAACACACATTTTCAGTTGTCCAGG-3'
Protein context (NP_078856.4, residues 78-98): HYATGNEEYL[Ile88Met]NLIDSPGHVD

ClinVar aggregate classification (germline): Uncertain significance (1 of 4 stars; one submission).

gnomAD v4.1: 1 of 1,613,988 alleles (0.000062%); highest among the groups gnomAD compares: Admixed American, 0.0017%; no homozygotes.

Submission:

Labcorp Genetics (formerly Invitae), Labcorp
Classification: Uncertain significance. Last evaluated: 2026-01-19. Review status: criteria provided, single submitter. Criteria: Invitae Variant Classification Sherloc (09022015). Collection method: clinical testing. Allele origin: germline.
Comment: This sequence change replaces isoleucine, which is neutral and non-polar, with methionine, which is neutral and non-polar, at codon 88 of the EFL1 protein (p.Ile88Met). This variant is present in population databases (no rsID available, gnomAD 0.003%). This variant has not been reported in the literature in individuals affected with EFL1-related conditions. ClinVar contains an entry for this variant (Variation ID: 2987220). Invitae Evidence Modeling of protein sequence and biophysical properties (such as structural, functional, and spatial information, amino acid conservation, physicochemical variation, residue mobility, and thermodynamic stability) indicates that this missense variant is expected to disrupt EFL1 protein function with a positive predictive value of 80%. In summary, the available evidence is currently insufficient to determine the role of this variant in disease. Therefore, it has been classified as a Variant of Uncertain Significance.